The following is an entry in ClinVar:

ClinVar aggregate classification (germline): Uncertain significance (3 of 4 stars; one submission).

Conditions:
Mitochondrial disease. Also called: Mitochondrial disorder; Mitochondrial disorders. Identifiers: Orphanet 68380, MedGen C0751651, MeSH D028361, MONDO:0044970.

Submission:

ClinGen Mitochondrial Disease Nuclear and Mitochondrial  Variant Curation Expert Panel, ClinGen
Classification: Uncertain significance for Mitochondrial disease. Last evaluated: 2022-10-24. Review status: reviewed by expert panel. Criteria: McCormick et al. (Hum Mutat. 2020). Collection method: curation. Allele origin: germline. Inheritance: Mitochondrial inheritance.
Comment: The m.12294G>A variant in MT-TL2 has been reported in two unrelated individuals with primary mitochondrial disease. These two affected individuals had myopathy and ophthalmoplegia. Age of onset ranged from childhood to teens. Muscle biopsies revealed ragged red fibers, COX-deficient fibers, and combined respiratory chain enzyme activity deficiencies. The variant was identified in muscle in both individuals (one with the variant at 59.8% heteroplasmy and the other at 75% heteroplasmy) and was absent in other tissues tested (blood, urine, buccal, primary myoblasts; PS4_supporting, PMIDs: 14581685, 29052516). There are no large families reported in the medical literature to consider for evidence of segregation. The variant was confirmed to have occurred de novo in one of the reported individuals (absent in healthy mother’s muscle; PMID: 29052516, PM6_supporting). In silico predictors do not agree as the computational predictor MitoTIP suggests this variant is pathogenic (71.4 percentile) and HmtVAR predicts it to be likely polymorphic (0.15). This variant is absent in the Genbank dataset, Helix dataset and gnomAD v3.1.2 (PM2_supporting). Single fiber testing showed higher levels of the variant in COX-negative fibers (92.9% ± 7.4, n=10) than in COX-positive fibers (48.3% ± 22.19, n=18, p<0.00001; PS3_supporting, PMID: 14581685). In summary, this variant meets criteria to be classified as uncertain significance for primary mitochondrial disease inherited in a mitochondrial manner. This classification was approved by the NICHD/NINDS U24 ClinGen Mitochondrial Disease Variant Curation Expert Panel on October 24, 2022. Mitochondrial DNA-specific ACMG/AMP criteria applied (PMID: 32906214): PS4_supporting, PM6_supporting, PM2_supporting, PS3_supporting.

Literature cited by the submitters: PubMed 14581685.

NC_012920.1(MT-TL2):m.12294G>A

Gene: MT-TL2 (mitochondrially encoded tRNA leucine 2 (CUN); plus strand).
Variant type: single nucleotide variant.
Genome position: chrM-12294-G-A.
Identifiers: ClinVar variation 986494 (VCV000986494.1), dbSNP rs2521970936, ClinGen allele CA913170013.
Genomic context (GRCh38, chrMT:12,294, plus strand): 5'-ATGCCCCCATGTCTAACAACATGGCTTTCTCAACTTTTAAAGGATAACAGCTATCCATTG[G>A]TCTTAGGCCCCAAAAATTTTGGTGCAACTCCAAATAAAAGTAATAACCATGCACACTACT-3'